The following is an entry in ClinVar:

ClinVar aggregate classification (germline): Likely pathogenic. Review status: criteria provided, multiple submitters, no conflicts (2 of 4 stars). 5 submissions from 5 submitters: Likely pathogenic (4). 1 of the submissions does not count toward it. Last evaluated 2024-06-17.

Conditions:
Epidermolysis bullosa, junctional 4, intermediate. Also called: Epidermolysis bullosa, junctional, localisata variant; EPIDERMOLYSIS BULLOSA, JUNCTIONAL 4, NON-HERLITZ TYPE; EPIDERMOLYSIS BULLOSA, GENERALIZED ATROPHIC BENIGN. Identifiers: MedGen C2608084, MONDO:0030750, OMIM 619787.
Epithelial recurrent erosion dystrophy (ERED). Also called: CORNEAL EROSIONS, RECURRING HEREDITARY. Identifiers: Orphanet 293381, MedGen C1852551, MONDO:0007381, OMIM 122400.
COL17A1-related disorder. Also called: COL17A1-related condition.

Allele frequency attached by ClinVar (database versions not stated): TOPMed 0.00011; ExAC 0.00012; gnomAD 0.00011 and 0.00013; ESP Exome Variant Server 0.00031.
gnomAD v4.1: 136 of 1,613,682 alleles (0.0084%); highest among the groups gnomAD compares: Middle Eastern, 0.016%; no homozygotes.

Submissions (5):

Fulgent Genetics
Classification: Likely pathogenic for Epithelial recurrent erosion dystrophy; Epidermolysis bullosa, junctional 4, intermediate. Last evaluated: 2024-06-17. Review status: criteria provided, single submitter. Criteria: ACMG Guidelines, 2015. Collection method: clinical testing. Allele origin: germline.

Labcorp Genetics (formerly Invitae), Labcorp
Classification: Likely pathogenic. Last evaluated: 2024-03-21. Review status: criteria provided, single submitter. Criteria: Invitae Variant Classification Sherloc (09022015). Collection method: clinical testing. Allele origin: germline.
Comment: This sequence change affects a donor splice site in intron 7 of the COL17A1 gene. It is expected to disrupt RNA splicing. Variants that disrupt the donor or acceptor splice site typically lead to a loss of protein function (PMID: 16199547), and loss-of-function variants in COL17A1 are known to be pathogenic (PMID: 16473856, 17344927, 20301304, 21357940, 24319098). This variant is present in population databases (rs147734242, gnomAD 0.4%). This variant has not been reported in the literature in individuals affected with COL17A1-related conditions. ClinVar contains an entry for this variant (Variation ID: 298750). Algorithms developed to predict the effect of sequence changes on RNA splicing suggest that this variant may disrupt the consensus splice site. In summary, the currently available evidence indicates that the variant is pathogenic, but additional data are needed to prove that conclusively. Therefore, this variant has been classified as Likely Pathogenic.

Revvity Omics, Revvity
Classification: Likely pathogenic. Last evaluated: 2024-02-27. Review status: criteria provided, single submitter. Criteria: ACMG Guidelines, 2015. Collection method: clinical testing. Allele origin: germline.

Department of Pathology and Laboratory Medicine, Sinai Health System
Classification: Likely pathogenic for Epithelial recurrent erosion dystrophy; Epidermolysis bullosa, junctional 4, intermediate. Last evaluated: 2023-05-09. Review status: criteria provided, single submitter. Criteria: ACMG Guidelines, 2015. Collection method: research. Allele origin: germline.

PreventionGenetics, part of Exact Sciences
Classification: Uncertain significance for COL17A1-related condition. Last evaluated: 2024-09-28. Review status: no assertion criteria provided. Collection method: clinical testing. Allele origin: germline. Not counted in ClinVar's aggregate classification.
Comment: The COL17A1 c.415+2T>G variant is predicted to disrupt the GT donor site and interfere with normal splicing. To our knowledge, this variant has not been reported in the literature. This variant is reported in 0.41% of alleles in individuals of Ashkenazi Jewish descent in gnomAD, which is relatively common for an undocumented cause of disease. Loss-of-function variants, including canonical splice variants, are typically associated with autosomal recessive disease. Although we suspect that this variant may be pathogenic, at this time, the clinical significance of this variant is uncertain due to the absence of conclusive functional and genetic evidence.

Literature cited by the submitters: PubMed 16199547 (cited by Labcorp Genetics (formerly Invitae), Labcorp); PubMed 16473856 (cited by Labcorp Genetics (formerly Invitae), Labcorp); PubMed 17344927 (cited by Labcorp Genetics (formerly Invitae), Labcorp); PubMed 20301304 (cited by Labcorp Genetics (formerly Invitae), Labcorp); PubMed 21357940 (cited by Labcorp Genetics (formerly Invitae), Labcorp); PubMed 24319098 (cited by Labcorp Genetics (formerly Invitae), Labcorp).

NM_000494.4(COL17A1):c.415+2T>G

Gene: COL17A1 (collagen type XVII alpha 1 chain; minus strand). Cytogenetic location: 10q25.1.
Variant type: single nucleotide variant.
Coding change: c.415+2T>G on transcript NM_000494.4 (MANE Select); the canonical splice donor site of the intron after coding-DNA position 415, T replaced by G.
Molecular consequence: splice donor variant.
Genome position (GRCh38, 1-based): chr10:104,073,208, A>C on the plus strand (T>G on the coding strand, the complement: COL17A1 is on the minus strand). VCF-style: chr10-104073208-A-C. GRCh37 (hg19) VCF-style: chr10-105832966-A-C.
Identifiers: ClinVar variation 298750 (VCV000298750.13), dbSNP rs147734242, ClinGen allele CA5679440.